The following is an entry in ClinVar:

NM_000051.4(ATM):c.599C>T (p.Ser200Phe)

Gene: ATM (ATM serine/threonine kinase; plus strand). Cytogenetic location: 11q22.3.
Variant type: single nucleotide variant.
Coding change: c.599C>T on transcript NM_000051.4 (MANE Select); coding-DNA position 599, C replaced by T.
Protein change: p.Ser200Phe; replaces serine 200 with phenylalanine.
Molecular consequence: missense variant.
Genome position (GRCh38, 1-based): chr11:108,244,055, C>T. VCF-style: chr11-108244055-C-T. GRCh37 (hg19) VCF-style: chr11-108114782-C-T.
Other names: c.599C>T, p.Ser200Phe (NM_001351834.2); short protein forms S200F.
Identifiers: ClinVar variation 4875377 (VCV004875377.2).
Genomic context (GRCh38, chr11:108,244,055, plus strand): 5'-AAGATGTTCATAGAGTTTTAGTGGCTAGAATAATTCATGCTGTTACCAAAGGATGCTGTT[C>T]TCAGACTGACGGATTAAATTCCAAATTTTTGGACTTTTTTTCCAAGGCTATTCAGTGTGC-3'
Protein context (NP_000042.3, residues 190-210): IIHAVTKGCC[Ser200Phe]QTDGLNSKFL

ClinVar aggregate classification (germline): Uncertain significance (1 of 4 stars; one submission).

Submission:

CeGaT Center for Human Genetics Tuebingen
Classification: Uncertain significance. Last evaluated: 2026-06-01. Review status: criteria provided, single submitter. Criteria: CeGaT Center For Human Genetics Tuebingen Variant Classification Criteria Version 2. Collection method: clinical testing. Allele origin: germline. Affected: yes. Observed: 1 variant allele.
Comment: ATM: PM2, BP4